The following is an entry in ClinVar:

NM_000535.7(PMS2):c.934A>G (p.Met312Val)

Gene: PMS2 (PMS1 homolog 2, mismatch repair system component; minus strand). Cytogenetic location: 7p22.1.
Variant type: single nucleotide variant.
Coding change: c.934A>G on transcript NM_000535.7 (MANE Select); coding-DNA position 934, A replaced by G.
Protein change: p.Met312Val; replaces methionine 312 with valine.
Molecular consequence: missense variant. On other transcripts: initiator codon variant (2), non-coding transcript variant (1).
Genome position (GRCh38, 1-based): chr7:5,992,027, T>C on the plus strand (A>G on the coding strand, the complement: PMS2 is on the minus strand). VCF-style: chr7-5992027-T-C. GRCh37 (hg19) VCF-style: chr7-6031658-T-C.
Other names: c.529A>G, p.Met177Val (NM_001322003.2, NM_001322004.2, NM_001322005.2 and 2 more transcripts); c.934A>G, p.Met312Val (NM_001322006.2, NM_001322014.2); c.616A>G, p.Met206Val (NM_001322007.2, NM_001322008.2); c.1A>G, p.Met1Val (NM_001322011.2, NM_001322012.2); c.361A>G, p.Met121Val (NM_001322013.2); c.625A>G, p.Met209Val (NM_001322015.2); short protein forms M312V, M121V, M206V, M209V, M177V, M1V.
Identifiers: ClinVar variation 185926 (VCV000185926.22), dbSNP rs786202567, ClinGen allele CA013304.
Genomic context (GRCh38, chr7:5,992,027, plus strand): 5'-ACTTACCTGAATCAACAGAAATGTTAAGAACAACAAATGGATACTGGTGTCGATTATACA[T>C]GTGGTAGACCTCATTCACGAGTCTGCAGACCTGCACAAAATACAAGGAGTAGAAAAGAAT-3'
Protein context (NP_000526.2, residues 302-322): VCRLVNEVYH[Met312Val]YNRHQYPFVV

ClinVar aggregate classification (germline): Uncertain significance. Review status: criteria provided, multiple submitters, no conflicts (2 of 4 stars). 5 submissions from 5 submitters: Uncertain significance (5). Last evaluated 2024-09-14.

Conditions:
Hereditary nonpolyposis colorectal neoplasms. Identifiers: MedGen C0009405, MeSH D003123.
Hereditary cancer-predisposing syndrome. Also called: Hereditary neoplastic syndrome; Neoplastic Syndromes, Hereditary; Tumor predisposition; Hereditary Cancer Syndrome. Identifiers: Orphanet 140162, MedGen C0027672, MeSH D009386, MONDO:0015356.

Allele frequency attached by ClinVar (database versions not stated): gnomAD exomes below 0.00001; TOPMed below 0.00001; gnomAD 0.00001.

Submissions (5):

Labcorp Genetics (formerly Invitae), Labcorp
Classification: Uncertain significance for Hereditary nonpolyposis colorectal neoplasms. Last evaluated: 2024-09-14. Review status: criteria provided, single submitter. Criteria: Invitae Variant Classification Sherloc (09022015). Collection method: clinical testing. Allele origin: germline.
Comment: This sequence change replaces methionine, which is neutral and non-polar, with valine, which is neutral and non-polar, at codon 312 of the PMS2 protein (p.Met312Val). This variant is present in population databases (rs786202567, gnomAD no frequency). This missense change has been observed in individual(s) with clinical features of Lynch syndrome (PMID: 31942411). ClinVar contains an entry for this variant (Variation ID: 185926). Invitae Evidence Modeling of protein sequence and biophysical properties (such as structural, functional, and spatial information, amino acid conservation, physicochemical variation, residue mobility, and thermodynamic stability) indicates that this missense variant is not expected to disrupt PMS2 protein function with a negative predictive value of 80%. In summary, the available evidence is currently insufficient to determine the role of this variant in disease. Therefore, it has been classified as a Variant of Uncertain Significance.

Ambry Genetics
Classification: Uncertain significance for Hereditary cancer-predisposing syndrome. Last evaluated: 2024-05-24. Review status: criteria provided, single submitter. Criteria: Ambry Variant Classification Scheme 2023. Collection method: clinical testing. Allele origin: germline.
Comment: The p.M312V variant (also known as c.934A>G), located in coding exon 9 of the PMS2 gene, results from an A to G substitution at nucleotide position 934. The methionine at codon 312 is replaced by valine, an amino acid with highly similar properties. (Staninova-Stojovska M et al. Balkan J Med Genet, 2019 Dec;22:5-16). This amino acid position is not well conserved in available vertebrate species. In addition, this alteration is predicted to be tolerated by in silico analysis. Since supporting evidence is limited at this time, the clinical significance of this alteration remains unclear.

GeneDx
Classification: Uncertain significance. Last evaluated: 2022-08-11. Review status: criteria provided, single submitter. Criteria: GeneDx Variant Classification Process June 2021. Collection method: clinical testing. Allele origin: germline. Affected: yes.
Comment: Not observed at significant frequency in large population cohorts (gnomAD); In silico analysis supports that this missense variant does not alter protein structure/function; Observed in an individual with rectal cancer and a family history of endometrial, gastric, and other cancers (Staninova-Stojovska et al., 2019); This variant is associated with the following publications: (PMID: 11574484, 31942411)

Color Diagnostics, LLC DBA Color Health
Classification: Uncertain significance for Hereditary cancer-predisposing syndrome. Last evaluated: 2022-08-08. Review status: criteria provided, single submitter. Criteria: ACMG Guidelines, 2015. Collection method: clinical testing. Allele origin: germline.
Comment: This missense variant replaces methionine with valine at codon 312 of the PMS2 protein. Computational prediction tools and conservation analyses suggest that this variant may not impact protein structure and function. Splice site prediction tools suggest that this variant may not impact RNA splicing. To our knowledge, functional studies have not been performed for this variant. This variant has been reported in an individual affected with hereditary non-polyposis colorectal cancer (PMID: 31942411) and in an individual affected with prostate cancer (Color internal data). This variant has been identified in 1/251298 chromosomes in the general population by the Genome Aggregation Database (gnomAD). The available evidence is insufficient to determine the role of this variant in disease conclusively. Therefore, this variant is classified as a Variant of Uncertain Significance.

Women's Health and Genetics/Laboratory Corporation of America, LabCorp
Classification: Uncertain significance. Last evaluated: 2021-11-07. Review status: criteria provided, single submitter. Criteria: LabCorp Variant Classification Summary - May 2015. Collection method: clinical testing. Allele origin: germline.
Comment: Variant summary: PMS2 c.934A>G (p.Met312Val) results in a conservative amino acid change located in the DNA mismatch repair protein family, N-terminal (IPR002099) of the encoded protein sequence. Four of five in-silico tools predict a benign effect of the variant on protein function. The variant allele was found at a frequency of 4e-06 in 251298 control chromosomes (gnomAD). The available data on variant occurrences in the general population are insufficient to allow any conclusion about variant significance. c.934A>G has been reported in the literature in at least one individual affected with Hereditary non-polyposis Colorectal Cancer (example: Staninova-Stojovska_2019). These data do not allow any conclusion about variant significance. To our knowledge, no experimental evidence demonstrating an impact on protein function has been reported. Three clinical diagnostic laboratories have submitted clinical-significance assessments for this variant to ClinVar after 2014 and classified the variant as uncertain significance. Based on the evidence outlined above, the variant was classified as uncertain significance.

Literature cited by the submitters: PubMed 31942411 (cited by 4 submitters).